The following is an entry in ClinVar:

ClinVar aggregate classification (germline): Uncertain significance (1 of 4 stars; one submission).

Allele frequency attached by ClinVar (database versions not stated): gnomAD 0.00001.
gnomAD v4.1: 2 of 1,614,216 alleles (0.00012%); highest among the groups gnomAD compares: African/African-American, 0.0027%; no homozygotes.

Submission:

Labcorp Genetics (formerly Invitae), Labcorp
Classification: Uncertain significance. Last evaluated: 2024-11-04. Review status: criteria provided, single submitter. Criteria: Invitae Variant Classification Sherloc (09022015). Collection method: clinical testing. Allele origin: germline.
Comment: This sequence change replaces glycine, which is neutral and non-polar, with arginine, which is basic and polar, at codon 213 of the ASAH1 protein (p.Gly213Arg). This variant is not present in population databases (gnomAD no frequency). This variant has not been reported in the literature in individuals affected with ASAH1-related conditions. ClinVar contains an entry for this variant (Variation ID: 1443462). Invitae Evidence Modeling of protein sequence and biophysical properties (such as structural, functional, and spatial information, amino acid conservation, physicochemical variation, residue mobility, and thermodynamic stability) indicates that this missense variant is expected to disrupt ASAH1 protein function with a positive predictive value of 80%. In summary, the available evidence is currently insufficient to determine the role of this variant in disease. Therefore, it has been classified as a Variant of Uncertain Significance.

NM_177924.5(ASAH1):c.637G>A (p.Gly213Arg)

Gene: ASAH1 (N-acylsphingosine amidohydrolase 1; minus strand). Cytogenetic location: 8p22.
Variant type: single nucleotide variant.
Coding change: c.637G>A on transcript NM_177924.5 (MANE Select); coding-DNA position 637, G replaced by A.
Protein change: p.Gly213Arg; replaces glycine 213 with arginine.
Molecular consequence: missense variant.
Genome position (GRCh38, 1-based): chr8:18,062,290, C>T on the plus strand (G>A on the coding strand, the complement: ASAH1 is on the minus strand). VCF-style: chr8-18062290-C-T. GRCh37 (hg19) VCF-style: chr8-17919799-C-T.
Other names: c.619G>A, p.Gly207Arg (NM_001127505.3); c.442G>A, p.Gly148Arg (NM_001363743.2); c.685G>A, p.Gly229Arg (NM_004315.6); short protein forms G148R, G229R, G207R, G213R.
Identifiers: ClinVar variation 1443462 (VCV001443462.6), dbSNP rs1190139418, ClinGen allele CA370429837.